The following is an entry in ClinVar:

ClinVar aggregate classification (germline): Uncertain significance (1 of 4 stars; one submission).

Allele frequency attached by ClinVar (database versions not stated): gnomAD exomes below 0.00001.
gnomAD v4.1: 1 of 1,613,488 alleles (0.000062%); highest among the groups gnomAD compares: East Asian, 0.0022%; no homozygotes.

Submission:

Women's Health and Genetics/Laboratory Corporation of America, LabCorp
Classification: Uncertain significance. Last evaluated: 2024-04-25. Review status: criteria provided, single submitter. Criteria: LabCorp Variant Classification Summary - May 2015. Collection method: clinical testing. Allele origin: germline.
Comment: Variant summary: SLC12A3 c.2671C>G (p.Leu891Val) results in a conservative amino acid change located in the SLC12A transporter, C-terminal domain (IPR018491) of the encoded protein sequence. Three of five in-silico tools predict a damaging effect of the variant on protein function. The variant allele was found at a frequency of 4e-06 in 251486 control chromosomes (gnomAD). The available data on variant occurrences in the general population are insufficient to allow any conclusion about variant significance. c.2671C>G has been reported in the literature in an individual affected with Familial Hypokalemia-Hypomagnesemia (Ma_2016). These data do not allow any conclusion about variant significance. To our knowledge, no experimental evidence demonstrating an impact on protein function has been reported. The following publication has been ascertained in the context of this evaluation (PMID: 27454426). No submitters have cited clinical-significance assessments for this variant to ClinVar. Based on the evidence outlined above, the variant was classified as uncertain significance.

Literature cited by the submitters: PubMed 27454426.

NM_001126108.2(SLC12A3):c.2644C>G (p.Leu882Val)

Gene: SLC12A3 (solute carrier family 12 member 3; plus strand). Cytogenetic location: 16q13.
Variant type: single nucleotide variant.
Coding change: c.2644C>G on transcript NM_001126108.2 (MANE Select); coding-DNA position 2644, C replaced by G.
Protein change: p.Leu882Val; replaces leucine 882 with valine.
Molecular consequence: missense variant.
Genome position (GRCh38, 1-based): chr16:56,899,540, C>G. VCF-style: chr16-56899540-C-G. GRCh37 (hg19) VCF-style: chr16-56933452-C-G.
Other names: c.2671C>G, p.Leu891Val (NM_000339.3); c.2668C>G, p.Leu890Val (NM_001126107.2); c.2641C>G, p.Leu881Val (NM_001410896.1); short protein forms L881V, L882V, L890V, L891V.
Identifiers: ClinVar variation 3251704 (VCV003251704.1), dbSNP rs1386040480.
Genomic context (GRCh38, chr16:56,899,540, plus strand): 5'-CGCTGTCTCAAGAAAAAGTAATAACAATAAACCCTCCATGTGTCCTCCAGGATCATTTCT[C>G]TGCTGAGCAAGTTCCGACTGGGATTCCATGAAGTCCACATCCTCCCTGACATCAACCAGA-3'
Protein context (NP_001119580.2, residues 872-892): MDQERKAIIS[Leu882Val]LSKFRLGFHE